The following is an entry in ClinVar:

NM_014423.4(AFF4):c.993A>G (p.Leu331=)

Gene: AFF4 (ALF transcription elongation factor 4; minus strand). Cytogenetic location: 5q31.1.
Variant type: single nucleotide variant.
Coding change: c.993A>G on transcript NM_014423.4 (MANE Select); coding-DNA position 993, A replaced by G.
Protein change: p.Leu331=; no amino-acid change (leucine 331 retained).
Molecular consequence: synonymous variant.
Genome position (GRCh38, 1-based): chr5:132,927,178, T>C on the plus strand (A>G on the coding strand, the complement: AFF4 is on the minus strand). VCF-style: chr5-132927178-T-C. GRCh37 (hg19) VCF-style: chr5-132262870-T-C.
Identifiers: ClinVar variation 3358207 (VCV003358207.1).

ClinVar aggregate classification (germline): Likely benign (0 of 4 stars; one submission).

Conditions:
AFF4-related disorder. Also called: AFF4-related condition.

gnomAD v4.1: 18 of 1,611,230 alleles (0.0011%); highest among the groups gnomAD compares: Non-Finnish European, 0.0014%; no homozygotes.

Submission:

PreventionGenetics, part of Exact Sciences
Classification: Likely benign for AFF4-related condition. Last evaluated: 2023-08-18. Review status: no assertion criteria provided. Collection method: clinical testing. Allele origin: germline.
Comment: This variant is classified as likely benign based on ACMG/AMP sequence variant interpretation guidelines (Richards et al. 2015 PMID: 25741868, with internal and published modifications).